The following is an entry in ClinVar:

ClinVar aggregate classification (germline): Uncertain significance (1 of 4 stars; one submission).

Conditions:
Cardiomyopathy (CMYO). Also called: Cardiomyopathies. Identifiers: Orphanet 167848, MedGen C0878544, MONDO:0004994, HP:0001638. Inheritance: Various modes of inheritance.

Submission:

Color Diagnostics, LLC DBA Color Health
Classification: Uncertain significance for Cardiomyopathy. Last evaluated: 2019-04-01. Review status: criteria provided, single submitter. Criteria: ACMG Guidelines, 2015. Collection method: clinical testing. Allele origin: germline.
Comment: Variant of Uncertain Significance due to insufficient evidence: This missense variant replaces serine with tyrosine at codon 1629 of the RYR2 protein. Computational prediction tools and conservation analyses are inconclusive regarding the impact of this variant on the protein function. Computational splicing tools suggest that this variant may not impact RNA splicing. To our knowledge, functional assays have not been performed for this variant nor has this variant been reported in individuals affected with cardiovascular disorders in the literature. This variant has not been identified in the general population by the Genome Aggregation Database (gnomAD). Available evidence is insufficient to determine the role of this variant in disease conclusively.

NM_001035.3(RYR2):c.4886C>A (p.Ser1629Tyr)

Gene: RYR2 (ryanodine receptor 2; plus strand). Cytogenetic location: 1q43.
Variant type: single nucleotide variant.
Coding change: c.4886C>A on transcript NM_001035.3 (MANE Select); coding-DNA position 4886, C replaced by A.
Protein change: p.Ser1629Tyr; replaces serine 1629 with tyrosine.
Molecular consequence: missense variant.
Genome position (GRCh38, 1-based): chr1:237,610,964, C>A. VCF-style: chr1-237610964-C-A. GRCh37 (hg19) VCF-style: chr1-237774264-C-A.
Other names: short protein forms S1629Y.
Identifiers: ClinVar variation 925970 (VCV000925970.3), dbSNP rs763623545, ClinGen allele CA345402844.
Genomic context (GRCh38, chr1:237,610,964, plus strand): 5'-CTCGAATAAGTGAACGCCAAGGCTGGTTGGTGCAGTGTTTGGATCCTCTGCAGTTCATGT[C>A]TCTTCATATCCCTGAGGAAAACAGGTCAGCCCCAGTGAATCCCTGACATTCTGATTGGGA-3'
Protein context (NP_001026.2, residues 1619-1639): VQCLDPLQFM[Ser1629Tyr]LHIPEENRSV